The following is an entry in ClinVar:

NM_176787.5(PIGN):c.1528G>A (p.Val510Ile)

Gene: PIGN (phosphatidylinositol glycan anchor biosynthesis class N; minus strand). Cytogenetic location: 18q21.33.
Variant type: single nucleotide variant.
Coding change: c.1528G>A on transcript NM_176787.5 (MANE Select); coding-DNA position 1528, G replaced by A.
Protein change: p.Val510Ile; replaces valine 510 with isoleucine.
Molecular consequence: missense variant.
Genome position (GRCh38, 1-based): chr18:62,109,880, C>T on the plus strand (G>A on the coding strand, the complement: PIGN is on the minus strand). VCF-style: chr18-62109880-C-T. GRCh37 (hg19) VCF-style: chr18-59777113-C-T.
Other names: c.1528G>A, p.Val510Ile (NM_012327.6); c.1528G>A (NM_176787.4); short protein forms V510I.
Identifiers: ClinVar variation 1060834 (VCV001060834.7), dbSNP rs1013305939, ClinGen allele CA301708599.

ClinVar aggregate classification (germline): Uncertain significance. Review status: criteria provided, multiple submitters, no conflicts (2 of 4 stars). 2 submissions from 2 submitters: Uncertain significance (2). Last evaluated 2024-10-06.

Conditions:
Multiple congenital anomalies-hypotonia-seizures syndrome 1 (MCAHS1). Also called: PIGN-CDG; Congenital disorder of glycosylation due to PIGN deficiency; GLYCOSYLPHOSPHATIDYLINOSITOL BIOSYNTHESIS DEFECT 3. Identifiers: Orphanet 280633, MedGen C3279775, MONDO:0013563, OMIM 614080.
Inborn genetic diseases. Identifiers: MedGen C0950123, MeSH D030342.

gnomAD v4.1: 1 of 1,612,876 alleles (0.000062%); highest among the groups gnomAD compares: Non-Finnish European, 0.000085%; no homozygotes.

Submissions (2):

Ambry Genetics
Classification: Uncertain significance for Inborn genetic diseases. Last evaluated: 2024-10-06. Review status: criteria provided, single submitter. Criteria: Ambry Variant Classification Scheme 2023. Collection method: clinical testing. Allele origin: germline.

Labcorp Genetics (formerly Invitae), Labcorp
Classification: Uncertain significance for Multiple congenital anomalies-hypotonia-seizures syndrome 1. Last evaluated: 2022-06-13. Review status: criteria provided, single submitter. Criteria: Invitae Variant Classification Sherloc (09022015). Collection method: clinical testing. Allele origin: germline.
Comment: This sequence change replaces valine, which is neutral and non-polar, with isoleucine, which is neutral and non-polar, at codon 510 of the PIGN protein (p.Val510Ile). This variant is present in population databases (no rsID available, gnomAD 0.003%). This variant has not been reported in the literature in individuals affected with PIGN-related conditions. ClinVar contains an entry for this variant (Variation ID: 1060834). Algorithms developed to predict the effect of missense changes on protein structure and function output the following: SIFT: "Not Available"; PolyPhen-2: "Benign"; Align-GVGD: "Not Available". The isoleucine amino acid residue is found in multiple mammalian species, which suggests that this missense change does not adversely affect protein function. In summary, the available evidence is currently insufficient to determine the role of this variant in disease. Therefore, it has been classified as a Variant of Uncertain Significance.